The following is an entry in ClinVar:

NM_000545.8(HNF1A):c.866C>T (p.Pro289Leu)

Gene: HNF1A (HNF1 homeobox A; plus strand). Cytogenetic location: 12q24.31.
Variant type: single nucleotide variant.
Coding change: c.866C>T on transcript NM_000545.8 (MANE Select); coding-DNA position 866, C replaced by T.
Protein change: p.Pro289Leu; replaces proline 289 with leucine.
Molecular consequence: missense variant.
Genome position (GRCh38, 1-based): chr12:120,994,316, C>T. VCF-style: chr12-120994316-C-T. GRCh37 (hg19) VCF-style: chr12-121432119-C-T.
Other names: NM_000545.8(HNF1A):c.866C>T; p.Pro289Leu; c.866C>T, p.Pro289Leu (NM_001306179.2); short protein forms P289L.
Identifiers: ClinVar variation 1802530 (VCV001802530.7), dbSNP rs267603343, ClinGen allele CA6831850.

ClinVar aggregate classification (germline): Uncertain significance. Review status: reviewed by expert panel (3 of 4 stars). 3 submissions from 3 submitters: Uncertain significance (1). 2 of the submissions do not count toward it. Last evaluated 2024-11-16.

Conditions:
Monogenic diabetes. Identifiers: Orphanet 183625, MedGen C3888631, MONDO:0015967.
Maturity-onset diabetes of the young (MODY). Also called: Maturity onset diabetes mellitus in young. Identifiers: Orphanet 552, MedGen C0342276, MONDO:0018911, HP:0004904.

gnomAD v4.1: 8 of 1,610,226 alleles (0.0005%); highest among the groups gnomAD compares: African/African-American, 0.0027%; no homozygotes.

Submissions (3):

ClinGen Monogenic Diabetes Variant Curation Expert Panel
Classification: Uncertain significance for Monogenic diabetes. Last evaluated: 2024-11-16. Review status: reviewed by expert panel. Criteria: ClinGen Diabetes ACMG Specifications HNF1A V2.1.0. Collection method: curation. Allele origin: germline. Inheritance: Autosomal dominant inheritance.
Comment: The c.866C>T variant in the e.g. HNF1 homeobox A gene, HNF1A, causes an amino acid change of proline to leucine at codon 289 (p.(Pro289Leu)) of NM_000545.8. The Grpmax filtering allele frequency of the this variant in gnomAD v2.1.1 is 0.000003090, which falls between ClinGen MDEP-established cutoffs for PM2_Supporting and BS1; thus, neither criterion will be applied. This variant was identified in two unrelated individuals with non-autoimmune and non-absolute/near-absolute insulin-deficient diabetes; however, PS4 cannot be applied because the variant MAF in gnomAD is above the ClinGen MDEP PM2_Supporting cutoff and the case count is below the MDEP threshold (PMID: 31291970, internal lab contributors). This variant has a REVEL score of 0.663, which is between the ClinGen MDEP thresholds for BP4 and PP3, predicting neither a damaging nor benign impact on HNF1A function. Other missense variants at this amino acid position, c.866C>A (p.Pro289His), p.866C>G (p.Pro289Arg) and c.865C>T (p.Pro289Ser), have been classified as VUS by the ClinGen MDEP; therefore, PM5 will not be applied. In summary, c.866C>T meets the criteria to be classified as a variant of uncertain significance for monogenic diabetes. ACMG/AMP criteria applied, as specified by the ClinGen MDEP (specification version 2.1.0, approved 8/11/2023): none.

Labcorp Genetics (formerly Invitae), Labcorp
Classification: Uncertain significance. Last evaluated: 2022-08-15. Review status: criteria provided, single submitter. Criteria: Invitae Variant Classification Sherloc (09022015). Collection method: clinical testing. Allele origin: germline. Not counted in ClinVar's aggregate classification.
Comment: In summary, the available evidence is currently insufficient to determine the role of this variant in disease. Therefore, it has been classified as a Variant of Uncertain Significance. Advanced modeling of protein sequence and biophysical properties (such as structural, functional, and spatial information, amino acid conservation, physicochemical variation, residue mobility, and thermodynamic stability) performed at Invitae indicates that this missense variant is expected to disrupt HNF1A protein function. This variant has not been reported in the literature in individuals affected with HNF1A-related conditions. This variant is present in population databases (rs267603343, gnomAD 0.003%). This sequence change replaces proline, which is neutral and non-polar, with leucine, which is neutral and non-polar, at codon 289 of the HNF1A protein (p.Pro289Leu).

Clinical Genomics, Uppaluri K&H Personalized Medicine Clinic
Classification: Benign for Maturity-onset diabetes of the young. Review status: criteria provided, single submitter. Criteria: K & H Uppaluri Personalized Medicine Clinic Variant Classification & Assertion Criteria_Updated V.1. Collection method: research. Allele origin: unknown. Inheritance: Autosomal dominant inheritance. Not counted in ClinVar's aggregate classification.
Comment: Mutations in HNF1A gene can predispose to MODY3. It is associated with both micro and macrovascular complications of diabetes, especially cardiovascular complications. Associated with glucosuria. May respond well to sulfonylureas. However, more evidence is required to confer the association of this particular variant rs267603343 with MODY3.

Literature cited by the submitters: PubMed 31517624 (cited by Clinical Genomics, Uppaluri K&H Personalized Medicine Clinic); PubMed 32395877 (cited by Clinical Genomics, Uppaluri K&H Personalized Medicine Clinic); PubMed 35328643 (cited by Clinical Genomics, Uppaluri K&H Personalized Medicine Clinic); PubMed 35673428 (cited by Clinical Genomics, Uppaluri K&H Personalized Medicine Clinic).